The following is an entry in ClinVar:

NM_003002.4(SDHD):c.334A>T (p.Thr112Ser)

Gene: SDHD (succinate dehydrogenase complex subunit D; plus strand). Cytogenetic location: 11q23.1.
Variant type: single nucleotide variant.
Coding change: c.334A>T on transcript NM_003002.4 (MANE Select); coding-DNA position 334, A replaced by T.
Protein change: p.Thr112Ser; replaces threonine 112 with serine.
Molecular consequence: missense variant. On other transcripts: 3 prime UTR variant (1), non-coding transcript variant (1).
Genome position (GRCh38, 1-based): chr11:112,094,824, A>T. VCF-style: chr11-112094824-A-T. GRCh37 (hg19) VCF-style: chr11-111965548-A-T.
Other names: c.189A>T, p.Leu63Phe (NM_001276503.2); c.217A>T, p.Thr73Ser (NM_001276504.2); c.*32A>T (NM_001276506.2); short protein forms T112S, L63F, T73S.
Identifiers: ClinVar variation 2567227 (VCV002567227.2), dbSNP rs1865809730, ClinGen allele CA382618819.
Genomic context (GRCh38, chr11:112,094,824, plus strand): 5'-GTGGTTTTTTATTGATGTTATGATTTTTTCTTTTTCTTTAGGGGCCTTGGACAAGTTGTT[A>T]CTGACTATGTTCATGGGGATGCCTTGCAGAAAGCTGCCAAGGCAGGGCTTTTGGCACTTT-3'
Protein context (NP_002993.1, residues 102-122): HGHWGLGQVV[Thr112Ser]DYVHGDALQK

ClinVar aggregate classification (germline): Uncertain significance (1 of 4 stars; one submission).

Conditions:
Hereditary cancer-predisposing syndrome. Also called: Hereditary neoplastic syndrome; Hereditary Cancer Syndrome; Neoplastic Syndromes, Hereditary; Tumor predisposition. Identifiers: Orphanet 140162, MedGen C0027672, MeSH D009386, MONDO:0015356.

Submission:

Ambry Genetics
Classification: Uncertain significance for Hereditary cancer-predisposing syndrome. Last evaluated: 2023-05-02. Review status: criteria provided, single submitter. Criteria: Ambry Variant Classification Scheme 2023. Collection method: clinical testing. Allele origin: germline.
Comment: The p.T112S variant (also known as c.334A>T), located in coding exon 4 of the SDHD gene, results from an A to T substitution at nucleotide position 334. The threonine at codon 112 is replaced by serine, an amino acid with similar properties. This amino acid position is conserved. In addition, this alteration is predicted to be deleterious by in silico analysis. Since supporting evidence is limited at this time, the clinical significance of this alteration remains unclear.